The following is an entry in ClinVar:

NM_001004334.4(GPR179):c.6125A>G (p.Gln2042Arg)

Gene: GPR179 (G protein-coupled receptor 179; minus strand). Cytogenetic location: 17q12.
Variant type: single nucleotide variant.
Coding change: c.6125A>G on transcript NM_001004334.4 (MANE Select); coding-DNA position 6125, A replaced by G.
Protein change: p.Gln2042Arg; replaces glutamine 2042 with arginine.
Molecular consequence: missense variant.
Genome position (GRCh38, 1-based): chr17:38,327,444, T>C on the plus strand (A>G on the coding strand, the complement: GPR179 is on the minus strand). VCF-style: chr17-38327444-T-C. GRCh37 (hg19) VCF-style: chr17-36483327-T-C.
Other names: c.6125A>G (NM_001004334.2); short protein forms Q2042R.
Identifiers: ClinVar variation 1523587 (VCV001523587.7), dbSNP rs74365049, ClinGen allele CA290103098.

ClinVar aggregate classification (germline): Uncertain significance. Review status: criteria provided, multiple submitters, no conflicts (2 of 4 stars). 2 submissions from 2 submitters: Uncertain significance (2). Last evaluated 2024-07-16.

Conditions:
Inborn genetic diseases. Identifiers: MedGen C0950123, MeSH D030342.

Allele frequency attached by ClinVar (database versions not stated): gnomAD exomes 0.00001 and 0.00006; gnomAD 0.00002 and 0.00004; TOPMed 0.00002; ExAC 0.00007; 1000 Genomes Project 0.00060; 1000 Genomes Project 30x 0.00094.
gnomAD v4.1: 19 of 1,614,194 alleles (0.0012%); highest among the groups gnomAD compares: East Asian, 0.04%; no homozygotes.

Submissions (2):

Ambry Genetics
Classification: Uncertain significance for Inborn genetic diseases. Last evaluated: 2024-07-16. Review status: criteria provided, single submitter. Criteria: Ambry Variant Classification Scheme 2023. Collection method: clinical testing. Allele origin: germline.

Labcorp Genetics (formerly Invitae), Labcorp
Classification: Uncertain significance. Last evaluated: 2022-09-07. Review status: criteria provided, single submitter. Criteria: Invitae Variant Classification Sherloc (09022015). Collection method: clinical testing. Allele origin: germline.
Comment: This sequence change replaces glutamine, which is neutral and polar, with arginine, which is basic and polar, at codon 2042 of the GPR179 protein (p.Gln2042Arg). This variant is present in population databases (rs74365049, gnomAD 0.08%). This variant has not been reported in the literature in individuals affected with GPR179-related conditions. ClinVar contains an entry for this variant (Variation ID: 1523587). Algorithms developed to predict the effect of missense changes on protein structure and function (SIFT, PolyPhen-2, Align-GVGD) all suggest that this variant is likely to be tolerated. In summary, the available evidence is currently insufficient to determine the role of this variant in disease. Therefore, it has been classified as a Variant of Uncertain Significance.